The following is an entry in ClinVar:

ClinVar aggregate classification (germline): Conflicting classifications of pathogenicity. Review status: criteria provided, conflicting classifications (1 of 4 stars). 10 submissions from 6 submitters: Uncertain significance (4); Benign (5); Likely benign (1). Last evaluated 2025-08-10.

Conditions:
SCN4A-related disorder. Also called: SCN4A-related disorders.
Hypokalemic periodic paralysis, type 2 (HOKPP2). Identifiers: Orphanet 681, MedGen C2750061, MONDO:0013234, OMIM 613345.
Congenital myasthenic syndrome 16. Identifiers: Orphanet 590, MedGen C3280112, MONDO:0013620, OMIM 614198.
Potassium-aggravated myotonia. Also called: Myotonia congenita, atypical, acetazolamide-responsive; MYOTONIA CONGENITA, ACETAZOLAMIDE-RESPONSIVE; MYOTONIA CONGENITA, ATYPICAL; SODIUM CHANNEL MUSCLE DISEASE. Identifiers: Orphanet 612, Orphanet 99734, Orphanet 99735, Orphanet 99736, MedGen C2931826, MONDO:0018959, OMIM 608390.
Paramyotonia congenita of Von Eulenburg. Also called: Paramyotonia Congenita; PARALYSIS PERIODICA PARAMYOTONICA; Eulenburg disease; Myotonia congenita intermittens; Von Eulenburg paramyotonia congenita. Identifiers: Orphanet 684, MedGen C0221055, MONDO:0008195, OMIM 168300. Disease mechanism: loss of function.
Hyperkalemic periodic paralysis. Also called: Familial hyperkalemic periodic paralysis; Gamstorp disease. Identifiers: Orphanet 682, MedGen C0238357, MONDO:0008224, OMIM 170500, HP:0007215.

Allele frequency attached by ClinVar (database versions not stated): gnomAD 0.00009; gnomAD exomes 0.00015 and 0.00006; TOPMed 0.00007; ExAC 0.00024.
gnomAD v4.1: 106 of 1,604,506 alleles (0.0066%); highest among the groups gnomAD compares: East Asian, 0.054%; no homozygotes.

Submissions (10):

Labcorp Genetics (formerly Invitae), Labcorp
Classification: Likely benign for Hyperkalemic periodic paralysis. Last evaluated: 2025-08-10. Review status: criteria provided, single submitter. Criteria: Invitae Variant Classification Sherloc (09022015). Collection method: clinical testing. Allele origin: germline.

PreventionGenetics, part of Exact Sciences
Classification: Uncertain significance for SCN4A-related condition. Last evaluated: 2025-02-09. Review status: criteria provided, single submitter. Criteria: ACMG Guidelines, 2015. Collection method: clinical testing. Allele origin: germline.
Comment: The SCN4A c.1120G>A variant is predicted to result in the amino acid substitution p.Glu374Lys. To our knowledge, this variant has not been reported in the literature. This variant is reported in 0.26% of alleles in individuals of Ashkenazi Jewish descent in gnomAD, but with lower allele frequencies in other populations. Although we suspect that this variant may be benign, at this time, the clinical significance of this variant is uncertain due to the absence of conclusive functional and genetic evidence.

GeneDx
Classification: Uncertain significance. Last evaluated: 2024-08-20. Review status: criteria provided, single submitter. Criteria: GeneDx Variant Classification Process June 2021. Collection method: clinical testing. Allele origin: germline. Affected: yes.
Comment: In silico analysis indicates that this missense variant does not alter protein structure/function; Has not been previously published as pathogenic or benign to our knowledge

Revvity Omics, Revvity
Classification: Uncertain significance. Last evaluated: 2023-01-09. Review status: criteria provided, single submitter. Criteria: ACMG Guidelines, 2015. Collection method: clinical testing. Allele origin: germline.

Athena Diagnostics
Classification: Benign. Last evaluated: 2020-08-20. Review status: criteria provided, single submitter. Criteria: Athena Diagnostics Criteria. Collection method: clinical testing. Allele origin: unknown.

Illumina Laboratory Services, Illumina
Classification: Benign for Paramyotonia congenita of Von Eulenburg. Last evaluated: 2018-01-12. Review status: criteria provided, single submitter. Criteria: ICSL Variant Classification Criteria 13 December 2019. Collection method: clinical testing. Allele origin: germline.
Comment: This variant was observed in the ICSL laboratory as part of a predisposition screen in an ostensibly healthy population. It had not been previously curated by ICSL or reported in the Human Gene Mutation Database (HGMD: prior to June 1st, 2018), and was therefore a candidate for classification through an automated scoring system. Utilizing variant allele frequency, disease prevalence and penetrance estimates, and inheritance mode, an automated score was calculated to assess if this variant is too frequent to cause the disease. Based on the score and internal cut-off values, a variant classified as benign is not then subjected to further curation. The score for this variant resulted in a classification of benign for this disease.

Illumina Laboratory Services, Illumina
Classification: Benign for Hyperkalemic periodic paralysis. Last evaluated: 2018-01-12. Review status: criteria provided, single submitter. Criteria: ICSL Variant Classification Criteria 13 December 2019. Collection method: clinical testing. Allele origin: germline.
Comment: the same text as in the submission from Illumina Laboratory Services, Illumina above.

Illumina Laboratory Services, Illumina
Classification: Benign for Hypokalemic periodic paralysis, type 2. Last evaluated: 2018-01-12. Review status: criteria provided, single submitter. Criteria: ICSL Variant Classification Criteria 13 December 2019. Collection method: clinical testing. Allele origin: germline.
Comment: the same text as in the submission from Illumina Laboratory Services, Illumina above.

Illumina Laboratory Services, Illumina
Classification: Benign for Potassium-aggravated myotonia. Last evaluated: 2018-01-12. Review status: criteria provided, single submitter. Criteria: ICSL Variant Classification Criteria 13 December 2019. Collection method: clinical testing. Allele origin: germline.
Comment: the same text as in the submission from Illumina Laboratory Services, Illumina above.

Illumina Laboratory Services, Illumina
Classification: Uncertain significance for Congenital myasthenic syndrome 16. Last evaluated: 2018-01-12. Review status: criteria provided, single submitter. Criteria: ICSL Variant Classification Criteria 13 December 2019. Collection method: clinical testing. Allele origin: germline.

NM_000334.4(SCN4A):c.1120G>A (p.Glu374Lys)

Gene: SCN4A (sodium voltage-gated channel alpha subunit 4; minus strand). Cytogenetic location: 17q23.3.
Variant type: single nucleotide variant.
Coding change: c.1120G>A on transcript NM_000334.4 (MANE Select); coding-DNA position 1120, G replaced by A.
Protein change: p.Glu374Lys; replaces glutamic acid 374 with lysine.
Molecular consequence: missense variant.
Genome position (GRCh38, 1-based): chr17:63,966,224, C>T on the plus strand (G>A on the coding strand, the complement: SCN4A is on the minus strand). VCF-style: chr17-63966224-C-T. GRCh37 (hg19) VCF-style: chr17-62043584-C-T.
Other names: short protein forms E374K.
Identifiers: ClinVar variation 324546 (VCV000324546.20), dbSNP rs766463226, ClinGen allele CA8709918.